The following is an entry in ClinVar:

ClinVar aggregate classification (germline): Uncertain significance (1 of 4 stars; one submission).

Conditions:
Hereditary cancer-predisposing syndrome. Also called: Neoplastic Syndromes, Hereditary; Tumor predisposition; Hereditary neoplastic syndrome; Hereditary Cancer Syndrome. Identifiers: Orphanet 140162, MedGen C0027672, MeSH D009386, MONDO:0015356.

gnomAD v4.1: 1 of 1,614,016 alleles (0.000062%); highest among the groups gnomAD compares: East Asian, 0.0022%; no homozygotes.

Submission:

Ambry Genetics
Classification: Uncertain significance for Hereditary cancer-predisposing syndrome. Last evaluated: 2026-07-06. Review status: criteria provided, single submitter. Criteria: Ambry Variant Classification Scheme 2023. Collection method: clinical testing. Allele origin: germline.
Comment: The p.A119T variant (also known as c.355G>A), located in coding exon 1 of the MET gene, results from a G to A substitution at nucleotide position 355. The alanine at codon 119 is replaced by threonine, an amino acid with similar properties. This amino acid position is conserved. In addition, the in silico prediction for this alteration is inconclusive. Based on the available evidence, the clinical significance of this variant remains unclear.

NM_000245.4(MET):c.355G>A (p.Ala119Thr)

Gene: MET (MET proto-oncogene, receptor tyrosine kinase; plus strand). Cytogenetic location: 7q31.2.
Variant type: single nucleotide variant.
Coding change: c.355G>A on transcript NM_000245.4 (MANE Select); coding-DNA position 355, G replaced by A.
Protein change: p.Ala119Thr; replaces alanine 119 with threonine.
Molecular consequence: missense variant. On other transcripts: intron variant (1).
Genome position (GRCh38, 1-based): chr7:116,699,439, G>A. VCF-style: chr7-116699439-G-A. GRCh37 (hg19) VCF-style: chr7-116339493-G-A.
Other names: c.355G>A, p.Ala119Thr (NM_001127500.3, NM_001324401.3); c.-91+26862G>A (NM_001324402.2); short protein forms A119T.
Identifiers: ClinVar variation 5024371 (VCV005024371.1).